The following is an entry in ClinVar:

ClinVar aggregate classification (germline): Uncertain significance. Review status: criteria provided, multiple submitters, no conflicts (2 of 4 stars). 2 submissions from 2 submitters: Uncertain significance (2). Last evaluated 2025-07-08.

Conditions:
Hereditary cancer-predisposing syndrome. Also called: Tumor predisposition; Hereditary Cancer Syndrome; Neoplastic Syndromes, Hereditary; Hereditary neoplastic syndrome. Identifiers: Orphanet 140162, MedGen C0027672, MeSH D009386, MONDO:0015356.
Tuberous sclerosis 2 (TSC2). Identifiers: Orphanet 805, MedGen C1860707, MONDO:0013199, OMIM 613254.

Submissions (2):

Labcorp Genetics (formerly Invitae), Labcorp
Classification: Uncertain significance for Tuberous sclerosis 2. Last evaluated: 2025-07-08. Review status: criteria provided, single submitter. Criteria: Invitae Variant Classification Sherloc (09022015). Collection method: clinical testing. Allele origin: germline.
Comment: This sequence change replaces valine, which is neutral and non-polar, with methionine, which is neutral and non-polar, at codon 333 of the TSC2 protein (p.Val333Met). This variant is not present in population databases (gnomAD no frequency). This variant has not been reported in the literature in individuals affected with TSC2-related conditions. ClinVar contains an entry for this variant (Variation ID: 1018136). Invitae Evidence Modeling of protein sequence and biophysical properties (such as structural, functional, and spatial information, amino acid conservation, physicochemical variation, residue mobility, and thermodynamic stability) indicates that this missense variant is not expected to disrupt TSC2 protein function with a negative predictive value of 95%. In summary, the available evidence is currently insufficient to determine the role of this variant in disease. Therefore, it has been classified as a Variant of Uncertain Significance.

Ambry Genetics
Classification: Uncertain significance for Hereditary cancer-predisposing syndrome. Last evaluated: 2024-06-26. Review status: criteria provided, single submitter. Criteria: Ambry Variant Classification Scheme 2023. Collection method: clinical testing. Allele origin: germline.
Comment: The p.V333M variant (also known as c.997G>A), located in coding exon 10 of the TSC2 gene, results from a G to A substitution at nucleotide position 997. The valine at codon 333 is replaced by methionine, an amino acid with highly similar properties. This amino acid position is highly conserved in available vertebrate species. In addition, this alteration is predicted to be deleterious by in silico analysis. Based on the available evidence, the clinical significance of this variant remains unclear.

NM_000548.5(TSC2):c.997G>A (p.Val333Met)

Gene: TSC2 (TSC complex subunit 2; plus strand). Cytogenetic location: 16p13.3.
Variant type: single nucleotide variant.
Coding change: c.997G>A on transcript NM_000548.5 (MANE Select); coding-DNA position 997, G replaced by A.
Protein change: p.Val333Met; replaces valine 333 with methionine.
Molecular consequence: missense variant.
Genome position (GRCh38, 1-based): chr16:2,060,691, G>A. VCF-style: chr16-2060691-G-A. GRCh37 (hg19) VCF-style: chr16-2110692-G-A.
Other names: c.997G>A, p.Val333Met (NM_001077183.3, NM_001114382.3, NM_001363528.2 and 3 more transcripts); c.886G>A, p.Val296Met (NM_001318827.2); c.850G>A, p.Val284Met (NM_001318829.2); c.397G>A, p.Val133Met (NM_001318831.2); c.1030G>A, p.Val344Met (NM_001318832.2); short protein forms V133M, V284M, V296M, V333M, V344M.
Identifiers: ClinVar variation 1018136 (VCV001018136.12), dbSNP rs1336741146, ClinGen allele CA394317314.